The following is an entry in ClinVar:

NM_005633.4(SOS1):c.3494A>C (p.Glu1165Ala)

Gene: SOS1 (SOS Ras/Rac guanine nucleotide exchange factor 1; minus strand). Cytogenetic location: 2p22.1.
Variant type: single nucleotide variant.
Coding change: c.3494A>C on transcript NM_005633.4 (MANE Select); coding-DNA position 3494, A replaced by C.
Protein change: p.Glu1165Ala; replaces glutamic acid 1165 with alanine.
Molecular consequence: missense variant.
Genome position (GRCh38, 1-based): chr2:38,987,489, T>G on the plus strand (A>C on the coding strand, the complement: SOS1 is on the minus strand). VCF-style: chr2-38987489-T-G. GRCh37 (hg19) VCF-style: chr2-39214630-T-G.
Other names: c.3473A>C, p.Glu1158Ala (NM_001382394.1); c.3449A>C, p.Glu1150Ala (NM_001382395.1); short protein forms E1158A, E1150A, E1165A.
Identifiers: ClinVar variation 1943219 (VCV001943219.5), dbSNP rs2528878601, ClinGen allele CA346359417.

ClinVar aggregate classification (germline): Uncertain significance (1 of 4 stars; one submission).

Conditions:
RASopathy. Also called: rasopathies; Noonan spectrum disorder. Identifiers: Orphanet 536391, MedGen C5555857, MONDO:0021060.

Submission:

Labcorp Genetics (formerly Invitae), Labcorp
Classification: Uncertain significance for RASopathy. Last evaluated: 2026-01-05. Review status: criteria provided, single submitter. Criteria: Invitae Variant Classification Sherloc (09022015). Collection method: clinical testing. Allele origin: germline.
Comment: This sequence change replaces glutamic acid, which is acidic and polar, with alanine, which is neutral and non-polar, at codon 1165 of the SOS1 protein (p.Glu1165Ala). This variant is not present in population databases (gnomAD no frequency). This variant has not been reported in the literature in individuals affected with SOS1-related conditions. ClinVar contains an entry for this variant (Variation ID: 1943219). Invitae Evidence Modeling of protein sequence and biophysical properties (such as structural, functional, and spatial information, amino acid conservation, physicochemical variation, residue mobility, and thermodynamic stability) has been performed for this missense variant. However, the output from this modeling did not meet the statistical confidence thresholds required to predict the impact of this variant on SOS1 protein function. In summary, the available evidence is currently insufficient to determine the role of this variant in disease. Therefore, it has been classified as a Variant of Uncertain Significance.